The following is an entry in ClinVar:

ClinVar aggregate classification (germline): Uncertain significance (1 of 4 stars; one submission).

Conditions:
Hereditary cancer-predisposing syndrome. Also called: Neoplastic Syndromes, Hereditary; Tumor predisposition; Hereditary neoplastic syndrome; Hereditary Cancer Syndrome. Identifiers: Orphanet 140162, MedGen C0027672, MeSH D009386, MONDO:0015356.

Submission:

Ambry Genetics
Classification: Uncertain significance for Hereditary cancer-predisposing syndrome. Last evaluated: 2023-12-14. Review status: criteria provided, single submitter. Criteria: Ambry Variant Classification Scheme 2023. Collection method: clinical testing. Allele origin: germline.
Comment: The p.Y373C variant (also known as c.1118A>G), located in coding exon 8 of the PTCH1 gene, results from an A to G substitution at nucleotide position 1118. The tyrosine at codon 373 is replaced by cysteine, an amino acid with highly dissimilar properties. This amino acid position is well conserved in available vertebrate species. In addition, this alteration is predicted to be deleterious by in silico analysis. Since supporting evidence is limited at this time, the clinical significance of this alteration remains unclear.

NM_000264.5(PTCH1):c.1118A>G (p.Tyr373Cys)

Gene: PTCH1 (patched 1; minus strand). Cytogenetic location: 9q22.32.
Variant type: single nucleotide variant.
Coding change: c.1118A>G on transcript NM_000264.5 (MANE Select); coding-DNA position 1118, A replaced by G.
Protein change: p.Tyr373Cys; replaces tyrosine 373 with cysteine.
Molecular consequence: missense variant. On other transcripts: non-coding transcript variant (1).
Genome position (GRCh38, 1-based): chr9:95,479,097, T>C on the plus strand (A>G on the coding strand, the complement: PTCH1 is on the minus strand). VCF-style: chr9-95479097-T-C. GRCh37 (hg19) VCF-style: chr9-98241379-T-C.
Other names: c.920A>G, p.Tyr307Cys (NM_001083602.3); c.1115A>G, p.Tyr372Cys (NM_001083603.3); c.665A>G, p.Tyr222Cys (NM_001083604.3, NM_001083605.3, NM_001083606.3 and 1 more transcripts); c.1118A>G, p.Tyr373Cys (NM_001354918.2); short protein forms Y222C, Y307C, Y372C, Y373C.
Identifiers: ClinVar variation 3230932 (VCV003230932.1), dbSNP rs576548716, ClinGen allele CA374119428.
Genomic context (GRCh38, chr9:95,479,097, plus strand): 5'-GCCGCTTTGTCCTCGTTCCAGTTGATGTGTGAGACATACTCGTACCCCTTGAAGTGCTCG[T>C]ACATTTGCTTGGGAGTCATTAACTGGAACATGGTCTGCAGGGCATGGGCGCTGCAGCACA-3'
Protein context (NP_000255.2, residues 363-383): MFQLMTPKQM[Tyr373Cys]EHFKGYEYVS